The following is an entry in ClinVar:

ClinVar aggregate classification (germline): Uncertain significance. Review status: criteria provided, multiple submitters, no conflicts (2 of 4 stars). 2 submissions from 2 submitters: Uncertain significance (2). Last evaluated 2026-06-22.

Conditions:
Cardiovascular phenotype. Identifiers: MedGen CN230736.

gnomAD v4.1: 5 of 1,209,515 alleles (0.00041%); highest among the groups gnomAD compares: African/African-American, 0.0087%; no homozygotes.

Submissions (2):

Ambry Genetics
Classification: Uncertain significance for Cardiovascular phenotype. Last evaluated: 2026-06-22. Review status: criteria provided, single submitter. Criteria: Ambry Variant Classification Scheme 2023. Collection method: clinical testing. Allele origin: germline.
Comment: The c.184A>T (p.M62L) alteration is located in exon 2 (coding exon 1) of the BGN gene. This alteration results from a A to T substitution at nucleotide position 184, causing the methionine (M) at amino acid position 62 to be replaced by a leucine (L). Based on data from gnomAD, the T allele has an overall frequency of <0.001% (1/181894) total alleles studied. The highest observed frequency was 0.008% (1/13140) of African alleles. Based on insufficient or conflicting evidence, the clinical significance of this alteration remains unclear.

Labcorp Genetics (formerly Invitae), Labcorp
Classification: Uncertain significance. Last evaluated: 2025-11-24. Review status: criteria provided, single submitter. Criteria: Invitae Variant Classification Sherloc (09022015). Collection method: clinical testing. Allele origin: germline.
Comment: This sequence change replaces methionine, which is neutral and non-polar, with leucine, which is neutral and non-polar, at codon 62 of the BGN protein (p.Met62Leu). This variant is present in population databases (rs781911357, gnomAD 0.008%). This variant has not been reported in the literature in individuals affected with BGN-related conditions. ClinVar contains an entry for this variant (Variation ID: 3260836). Invitae Evidence Modeling of protein sequence and biophysical properties (such as structural, functional, and spatial information, amino acid conservation, physicochemical variation, residue mobility, and thermodynamic stability) indicates that this missense variant is not expected to disrupt BGN protein function with a negative predictive value of 80%. In summary, the available evidence is currently insufficient to determine the role of this variant in disease. Therefore, it has been classified as a Variant of Uncertain Significance.

NM_001711.6(BGN):c.184A>T (p.Met62Leu)

Gene: BGN (biglycan; plus strand). Cytogenetic location: Xq28.
Variant type: single nucleotide variant.
Coding change: c.184A>T on transcript NM_001711.6 (MANE Select); coding-DNA position 184, A replaced by T.
Protein change: p.Met62Leu; replaces methionine 62 with leucine.
Molecular consequence: missense variant.
Genome position (GRCh38, 1-based): chrX:153,504,815, A>T. VCF-style: chrX-153504815-A-T. GRCh37 (hg19) VCF-style: chrX-152770273-A-T.
Other names: short protein forms M62L.
Identifiers: ClinVar variation 3260836 (VCV003260836.3).